The following is an entry in ClinVar:

NM_001105578.2(SYCE2):c.556G>A (p.Gly186Ser)

Genes: SYCE2 (synaptonemal complex central element protein 2; minus strand), LOC126862860 (BRD4-independent group 4 enhancer GRCh37_chr19:13010146-13011345; plus strand). Cytogenetic location: 19p13.13.
Variant type: single nucleotide variant.
Coding change: c.556G>A on transcript NM_001105578.2 (MANE Select); coding-DNA position 556, G replaced by A.
Protein change: p.Gly186Ser; replaces glycine 186 with serine.
Molecular consequence: missense variant.
Genome position (GRCh38, 1-based): chr19:12,900,060, C>T on the plus strand (G>A on the coding strand, the complement: SYCE2 is on the minus strand). VCF-style: chr19-12900060-C-T. GRCh37 (hg19) VCF-style: chr19-13010874-C-T.
Other names: short protein forms G186S.
Identifiers: ClinVar variation 1335328 (VCV001335328.34), dbSNP rs186538441, ClinGen allele CA9234758.

ClinVar aggregate classification (germline): Likely benign (1 of 4 stars; one submission).

Allele frequency attached by ClinVar (database versions not stated): 1000 Genomes Project 30x 0.00078; 1000 Genomes Project 0.00080; gnomAD exomes 0.00136 and 0.00208; gnomAD 0.00144 and 0.00158; TOPMed 0.00150; ExAC 0.00157; ESP Exome Variant Server 0.00265.
gnomAD v4.1: 3,230 of 1,613,576 alleles (0.2%); highest among the groups gnomAD compares: Non-Finnish European, 0.26%; 6 homozygotes.

Submission:

CeGaT Center for Human Genetics Tuebingen
Classification: Likely benign. Last evaluated: 2026-05-01. Review status: criteria provided, single submitter. Criteria: CeGaT Center For Human Genetics Tuebingen Variant Classification Criteria Version 2. Collection method: clinical testing. Allele origin: germline. Affected: yes. Observed: 3 variant alleles.
Comment: SYCE2: BP4